The following is an entry in ClinVar:

ClinVar aggregate classification (germline): Uncertain significance. Review status: criteria provided, multiple submitters, no conflicts (2 of 4 stars). 2 submissions from 2 submitters: Uncertain significance (2). Last evaluated 2025-10-12.

Conditions:
Cardiovascular phenotype. Identifiers: MedGen CN230736.

Allele frequency attached by ClinVar (database versions not stated): ExAC 0.00001; gnomAD 0.00002 and 0.00003; gnomAD exomes 0.00002 and 0.00006; TOPMed 0.00004.
gnomAD v4.1: 88 of 1,612,150 alleles (0.0055%); highest among the groups gnomAD compares: Non-Finnish European, 0.0068%; no homozygotes.

Submissions (2):

Ambry Genetics
Classification: Uncertain significance for Cardiovascular phenotype. Last evaluated: 2025-10-12. Review status: criteria provided, single submitter. Criteria: Ambry Variant Classification Scheme 2023. Collection method: clinical testing. Allele origin: germline.
Comment: The p.R1254C variant (also known as c.3760C>T), located in coding exon 6 of the ALPK3 gene, results from a C to T substitution at nucleotide position 3760. The arginine at codon 1254 is replaced by cysteine, an amino acid with highly dissimilar properties. This amino acid position is poorly conserved in available vertebrate species. In addition, this alteration is predicted to be tolerated by in silico analysis. Since supporting evidence is limited at this time, the clinical significance of this alteration remains unclear.

Labcorp Genetics (formerly Invitae), Labcorp
Classification: Uncertain significance. Last evaluated: 2024-10-29. Review status: criteria provided, single submitter. Criteria: Invitae Variant Classification Sherloc (09022015). Collection method: clinical testing. Allele origin: germline.
Comment: This sequence change replaces arginine, which is basic and polar, with cysteine, which is neutral and slightly polar, at codon 1254 of the ALPK3 protein (p.Arg1254Cys). This variant is present in population databases (rs745957839, gnomAD 0.006%). This variant has not been reported in the literature in individuals affected with ALPK3-related conditions. ClinVar contains an entry for this variant (Variation ID: 1437787). Invitae Evidence Modeling of protein sequence and biophysical properties (such as structural, functional, and spatial information, amino acid conservation, physicochemical variation, residue mobility, and thermodynamic stability) indicates that this missense variant is not expected to disrupt ALPK3 protein function with a negative predictive value of 80%. In summary, the available evidence is currently insufficient to determine the role of this variant in disease. Therefore, it has been classified as a Variant of Uncertain Significance.

NM_020778.5(ALPK3):c.3154C>T (p.Arg1052Cys)

Gene: ALPK3 (alpha kinase 3; plus strand). Cytogenetic location: 15q25.3.
Variant type: single nucleotide variant.
Coding change: c.3154C>T on transcript NM_020778.5 (MANE Select); coding-DNA position 3154, C replaced by T.
Protein change: p.Arg1052Cys; replaces arginine 1052 with cysteine.
Molecular consequence: missense variant.
Genome position (GRCh38, 1-based): chr15:84,857,892, C>T. VCF-style: chr15-84857892-C-T. GRCh37 (hg19) VCF-style: chr15-85401123-C-T.
Other names: short protein forms R1052C.
Identifiers: ClinVar variation 1437787 (VCV001437787.9), dbSNP rs745957839, ClinGen allele CA7709566.